The following is an entry in ClinVar:

NM_000093.5(COL5A1):c.2701-12C>G

Gene: COL5A1 (collagen type V alpha 1 chain; plus strand). Cytogenetic location: 9q34.3.
Variant type: single nucleotide variant.
Coding change: c.2701-12C>G on transcript NM_000093.5 (MANE Select); 12 bases into the intron before coding-DNA position 2701, C replaced by G.
Molecular consequence: intron variant.
Genome position (GRCh38, 1-based): chr9:134,795,070, C>G. VCF-style: chr9-134795070-C-G. GRCh37 (hg19) VCF-style: chr9-137686916-C-G.
Other names: c.2701-12C>G (NM_001278074.1).
Identifiers: ClinVar variation 377724 (VCV000377724.9), dbSNP rs751422216, ClinGen allele CA5319548.

ClinVar aggregate classification (germline): Likely benign. Review status: criteria provided, multiple submitters, no conflicts (2 of 4 stars). 2 submissions from 2 submitters: Likely benign (2). Last evaluated 2025-06-30.

Conditions:
Ehlers-Danlos syndrome, classic type, 1 (EDSCL1). Also called: EHLERS-DANLOS SYNDROME, GRAVIS TYPE; EHLERS-DANLOS SYNDROME, SEVERE CLASSIC TYPE; Ehlers-Danlos Syndrome, Classic Type, COL5A1-Related; EDS I; Ehlers-Danlos syndrome, type 1. Identifiers: MedGen C0268335, MONDO:0019567, OMIM 130000.

Allele frequency attached by ClinVar (database versions not stated): gnomAD 0.00001; gnomAD exomes 0.00002; TOPMed 0.00002; ExAC 0.00003.
gnomAD v4.1: 28 of 1,613,754 alleles (0.0017%); highest among the groups gnomAD compares: Non-Finnish European, 0.0023%; no homozygotes.

Submissions (2):

Labcorp Genetics (formerly Invitae), Labcorp
Classification: Likely benign for Ehlers-Danlos syndrome, classic type, 1. Last evaluated: 2025-06-30. Review status: criteria provided, single submitter. Criteria: Invitae Variant Classification Sherloc (09022015). Collection method: clinical testing. Allele origin: germline.

GeneDx
Classification: Likely benign. Last evaluated: 2016-03-28. Review status: criteria provided, single submitter. Criteria: GeneDx Variant Classification (06012015). Collection method: clinical testing. Allele origin: germline. Affected: yes.
Comment: This variant is considered likely benign or benign based on one or more of the following criteria: it is a conservative change, it occurs at a poorly conserved position in the protein, it is predicted to be benign by multiple in silico algorithms, and/or has population frequency not consistent with disease.